The following is an entry in ClinVar:

NM_004656.4(BAP1):c.37+5G>A

Gene: BAP1 (BRCA1 associated deubiquitinase 1; minus strand). Cytogenetic location: 3p21.1.
Variant type: single nucleotide variant.
Coding change: c.37+5G>A on transcript NM_004656.4 (MANE Select); 5 bases into the intron after coding-DNA position 37, G replaced by A.
Molecular consequence: intron variant.
Genome position (GRCh38, 1-based): chr3:52,409,837, C>T on the plus strand (G>A on the coding strand, the complement: BAP1 is on the minus strand). VCF-style: chr3-52409837-C-T. GRCh37 (hg19) VCF-style: chr3-52443853-C-T.
Identifiers: ClinVar variation 1433272 (VCV001433272.6), dbSNP rs1559593334, ClinGen allele CA2573137320.

ClinVar aggregate classification (germline): Uncertain significance (1 of 4 stars; one submission).

Conditions:
BAP1-related tumor predisposition syndrome (TPDS1). Also called: Tumor susceptibility linked to germline BAP1 mutations; TUMOR PREDISPOSITION SYNDROME 1; BAP1 tumor predisposition syndrome; COMMON Syndrome. Identifiers: Orphanet 289539, MedGen C3280492, MONDO:0013692, OMIM 614327.

Submission:

Labcorp Genetics (formerly Invitae), Labcorp
Classification: Uncertain significance for BAP1-related tumor predisposition syndrome. Last evaluated: 2021-08-15. Review status: criteria provided, single submitter. Criteria: Invitae Variant Classification Sherloc (09022015). Collection method: clinical testing. Allele origin: germline.
Comment: In summary, the available evidence is currently insufficient to determine the role of this variant in disease. Therefore, it has been classified as a Variant of Uncertain Significance. Variants that disrupt the consensus splice site are a relatively common cause of aberrant splicing (PMID: 17576681, 9536098). Algorithms developed to predict the effect of sequence changes on RNA splicing suggest that this variant may disrupt the consensus splice site. This variant has not been reported in the literature in individuals affected with BAP1-related conditions. This variant is not present in population databases (ExAC no frequency). This sequence change falls in intron 1 of the BAP1 gene. It does not directly change the encoded amino acid sequence of the BAP1 protein. It affects a nucleotide within the consensus splice site of the intron.

Literature cited by the submitters: PubMed 17576681; PubMed 9536098.